The following is an entry in ClinVar:

ClinVar aggregate classification (germline): Uncertain significance (1 of 4 stars; one submission).

Allele frequency attached by ClinVar (database versions not stated): gnomAD exomes below 0.00001.
gnomAD v4.1: 2 of 1,613,540 alleles (0.00012%); highest among the groups gnomAD compares: Middle Eastern, 0.016%; no homozygotes.

Submission:

Labcorp Genetics (formerly Invitae), Labcorp
Classification: Uncertain significance. Last evaluated: 2024-09-25. Review status: criteria provided, single submitter. Criteria: Invitae Variant Classification Sherloc (09022015). Collection method: clinical testing. Allele origin: germline.
Comment: This sequence change replaces tyrosine, which is neutral and polar, with cysteine, which is neutral and slightly polar, at codon 468 of the POLE protein (p.Tyr468Cys). This variant is not present in population databases (gnomAD no frequency). This missense change has been observed in individual(s) with endometrial or colorectal cancer (PMID: 31866764, 32627883). Invitae Evidence Modeling of protein sequence and biophysical properties (such as structural, functional, and spatial information, amino acid conservation, physicochemical variation, residue mobility, and thermodynamic stability) indicates that this missense variant is expected to disrupt POLE protein function with a positive predictive value of 80%. In summary, the available evidence is currently insufficient to determine the role of this variant in disease. Therefore, it has been classified as a Variant of Uncertain Significance.

Literature cited by the submitters: PubMed 31866764; PubMed 32627883.

NM_006231.4(POLE):c.1403A>G (p.Tyr468Cys)

Gene: POLE (DNA polymerase epsilon, catalytic subunit; minus strand). Cytogenetic location: 12q24.33.
Variant type: single nucleotide variant.
Coding change: c.1403A>G on transcript NM_006231.4 (MANE Select); coding-DNA position 1403, A replaced by G.
Protein change: p.Tyr468Cys; replaces tyrosine 468 with cysteine.
Molecular consequence: missense variant.
Genome position (GRCh38, 1-based): chr12:132,673,234, T>C on the plus strand (A>G on the coding strand, the complement: POLE is on the minus strand). VCF-style: chr12-132673234-T-C. GRCh37 (hg19) VCF-style: chr12-133249820-T-C.
Other names: short protein forms Y468C.
Identifiers: ClinVar variation 2863014 (VCV002863014.3), dbSNP rs2042971544, ClinGen allele CA387358578.
Genomic context (GRCh38, chr12:132,673,234, plus strand): 5'-TCCATGGGAATAATGGTGCACAGAGCAAAGATGAATGGGTGGACGTACTTCATGTACAGG[T>C]AGTAAGTGGCGACAGCATCTGACACAGAATACGTGGCCAGAGTCTGAGGAGAGAACGCCA-3'
Protein context (NP_006222.2, residues 458-478): YSVSDAVATY[Tyr468Cys]LYMKYVHPFI